The following is an entry in ClinVar:

NM_000075.4(CDK4):c.91T>A (p.Phe31Ile)

Gene: CDK4 (cyclin dependent kinase 4; minus strand). Cytogenetic location: 12q14.1.
Variant type: single nucleotide variant.
Coding change: c.91T>A on transcript NM_000075.4 (MANE Select); coding-DNA position 91, T replaced by A.
Protein change: p.Phe31Ile; replaces phenylalanine 31 with isoleucine.
Molecular consequence: missense variant.
Genome position (GRCh38, 1-based): chr12:57,751,627, A>T on the plus strand (T>A on the coding strand, the complement: CDK4 is on the minus strand). VCF-style: chr12-57751627-A-T. GRCh37 (hg19) VCF-style: chr12-58145410-A-T.
Other names: short protein forms F31I.
Identifiers: ClinVar variation 4868600 (VCV004868600.1).

ClinVar aggregate classification (germline): Uncertain significance (1 of 4 stars; one submission).

Conditions:
Hereditary cancer-predisposing syndrome. Also called: Neoplastic Syndromes, Hereditary; Tumor predisposition; Hereditary Cancer Syndrome; Hereditary neoplastic syndrome. Identifiers: Orphanet 140162, MedGen C0027672, MeSH D009386, MONDO:0015356.

Submission:

Ambry Genetics
Classification: Uncertain significance for Hereditary cancer-predisposing syndrome. Last evaluated: 2026-05-22. Review status: criteria provided, single submitter. Criteria: Ambry Variant Classification Scheme 2023. Collection method: clinical testing. Allele origin: germline.
Comment: The p.F31I variant (also known as c.91T>A), located in coding exon 1 of the CDK4 gene, results from a T to A substitution at nucleotide position 91. The phenylalanine at codon 31 is replaced by isoleucine, an amino acid with highly similar properties. This amino acid position is highly conserved in available vertebrate species. In addition, the in silico prediction for this alteration is inconclusive. Based on the available evidence, the clinical significance of this variant remains unclear.